The following is an entry in ClinVar:

NM_001079520.2(DACT1):c.1258A>T (p.Lys420Ter)

Gene: DACT1 (dishevelled binding antagonist of beta catenin 1; plus strand). Cytogenetic location: 14q23.1.
Variant type: single nucleotide variant.
Coding change: c.1258A>T on transcript NM_001079520.2 (MANE Select); coding-DNA position 1258, A replaced by T.
Protein change: p.Lys420Ter; replaces lysine 420 with a stop codon.
Molecular consequence: nonsense. On other transcripts: non-coding transcript variant (5).
Genome position (GRCh38, 1-based): chr14:58,645,992, A>T. VCF-style: chr14-58645992-A-T. GRCh37 (hg19) VCF-style: chr14-59112710-A-T.
Other names: c.1369A>T, p.Lys457Ter (NM_016651.6); short protein forms K420*, K457*.
Identifiers: ClinVar variation 3652679 (VCV003652679.2).

ClinVar aggregate classification (germline): Uncertain significance (1 of 4 stars; one submission).

Submission:

Labcorp Genetics (formerly Invitae), Labcorp
Classification: Uncertain significance. Last evaluated: 2024-05-08. Review status: criteria provided, single submitter. Criteria: Invitae Variant Classification Sherloc (09022015). Collection method: clinical testing. Allele origin: germline.
Comment: This sequence change creates a premature translational stop signal (p.Lys457*) in the DACT1 gene. While this is not anticipated to result in nonsense mediated decay, it is expected to disrupt the last 380 amino acid(s) of the DACT1 protein. This variant is not present in population databases (gnomAD no frequency). This variant has not been reported in the literature in individuals affected with DACT1-related conditions. In summary, the available evidence is currently insufficient to determine the role of this variant in disease. Therefore, it has been classified as a Variant of Uncertain Significance.